The following is an entry in ClinVar:

NM_181458.4(PAX3):c.378G>A (p.Pro126=)

Gene: PAX3 (paired box 3; minus strand). Cytogenetic location: 2q36.1.
Variant type: single nucleotide variant.
Coding change: c.378G>A on transcript NM_181458.4 (MANE Select); coding-DNA position 378, G replaced by A.
Protein change: p.Pro126=; no amino-acid change (proline 126 retained).
Molecular consequence: synonymous variant.
Genome position (GRCh38, 1-based): chr2:222,295,601, C>T on the plus strand (G>A on the coding strand, the complement: PAX3 is on the minus strand). VCF-style: chr2-222295601-C-T. GRCh37 (hg19) VCF-style: chr2-223160320-C-T.
Other names: c.378G>A, p.Pro126= (NM_000438.6, NM_013942.5, NM_181457.4 and 3 more transcripts); c.375G>A, p.Pro125= (NM_001127366.3).
Identifiers: ClinVar variation 929881 (VCV000929881.4), dbSNP rs553884686, ClinGen allele CA66340498.

ClinVar aggregate classification (germline): Likely benign (1 of 4 stars; one submission).

Allele frequency attached by ClinVar (database versions not stated): gnomAD exomes below 0.00001.
gnomAD v4.1: 4 of 1,614,178 alleles (0.00025%); highest among the groups gnomAD compares: African/African-American, 0.0013%; no homozygotes.

Submission:

Laboratory for Molecular Medicine, Mass General Brigham Personalized Medicine
Classification: Likely benign. Last evaluated: 2019-04-30. Review status: criteria provided, single submitter. Criteria: LMM Criteria. Collection method: clinical testing. Allele origin: germline. Observed: 1 variant allele.
Comment: The p.Pro125Pro variant in PAX3 is classified as likely benign because it does not alter an amino acid residue, it is not located within the splice consensus sequence, and splice prediction algorithms do not predict a newly created splice site. This variant has been identified in 0.001% (1/113746) of European chromosomes by gnomAD. ACMG/AMP Criteria applied: BP4, BP7.